The following is an entry in ClinVar:

ClinVar aggregate classification (germline): Uncertain significance (1 of 4 stars; one submission).

Conditions:
Inborn genetic diseases. Identifiers: MedGen C0950123, MeSH D030342.

Allele frequency attached by ClinVar (database versions not stated): gnomAD exomes below 0.00001; ExAC 0.00001.
gnomAD v4.1: 1 of 1,613,374 alleles (0.000062%); highest among the groups gnomAD compares: Non-Finnish European, 0.000085%; no homozygotes.

Submission:

Ambry Genetics
Classification: Uncertain significance for Inborn genetic diseases. Last evaluated: 2022-04-06. Review status: criteria provided, single submitter. Criteria: Ambry Variant Classification Scheme 2023. Collection method: clinical testing. Allele origin: germline.
Comment: The p.H168Y variant (also known as c.502C>T), located in coding exon 5 of the LRRK2 gene, results from a C to T substitution at nucleotide position 502. The histidine at codon 168 is replaced by tyrosine, an amino acid with similar properties. This amino acid position is conserved. In addition, this alteration is predicted to be tolerated by in silico analysis. Since supporting evidence is limited at this time, the clinical significance of this alteration remains unclear.

NM_198578.4(LRRK2):c.502C>T (p.His168Tyr)

Gene: LRRK2 (leucine rich repeat kinase 2; plus strand). Cytogenetic location: 12q12.
Variant type: single nucleotide variant.
Coding change: c.502C>T on transcript NM_198578.4 (MANE Select); coding-DNA position 502, C replaced by T.
Protein change: p.His168Tyr; replaces histidine 168 with tyrosine.
Molecular consequence: missense variant.
Genome position (GRCh38, 1-based): chr12:40,238,034, C>T. VCF-style: chr12-40238034-C-T. GRCh37 (hg19) VCF-style: chr12-40631836-C-T.
Other names: short protein forms H168Y.
Identifiers: ClinVar variation 1744888 (VCV001744888.2), dbSNP rs769272461, ClinGen allele CA6513116.
Genomic context (GRCh38, chr12:40,238,034, plus strand): 5'-ATCACCTTGCTGATATTGGATGAAGAAAGTGATATTTTCATGTTAATTTTTGATGCCATG[C>T]ACTCATTTCCAGCCAATGATGAAGTCCAGAAACTTGGATGCAAAGCTTTACATGTGCTGT-3'
Protein context (NP_940980.4, residues 158-178): DIFMLIFDAM[His168Tyr]SFPANDEVQK